The following is an entry in ClinVar:

ClinVar aggregate classification (germline): Benign. Review status: criteria provided, multiple submitters, no conflicts (2 of 4 stars). 8 submissions from 8 submitters: Benign (6). 2 of the submissions do not count toward it. Last evaluated 2026-02-04.

Conditions:
Autosomal recessive limb-girdle muscular dystrophy type R18 (LGMDR18). Also called: MUSCULAR DYSTROPHY, LIMB-GIRDLE, AUTOSOMAL RECESSIVE 18; Limb-girdle muscular dystrophy, type 2S; Autosomal recessive limb-girdle muscular dystrophy type 2S. Identifiers: Orphanet 369840, MedGen C4517996, MONDO:0014144, OMIM 615356.

Allele frequency attached by ClinVar (database versions not stated): gnomAD exomes 0.43496 and 0.44730; ExAC 0.44511; 1000 Genomes Project 0.48562; 1000 Genomes Project 30x 0.49001; gnomAD 0.49312 and 0.49989; ESP Exome Variant Server 0.49616; TOPMed 0.49876.
gnomAD v4.1: 709,064 of 1,609,180 alleles (44%); highest among the groups gnomAD compares: African/African-American, 62%; 159,531 homozygotes.

Submissions (8):

Labcorp Genetics (formerly Invitae), Labcorp
Classification: Benign for Autosomal recessive limb-girdle muscular dystrophy type R18. Last evaluated: 2026-02-04. Review status: criteria provided, single submitter. Criteria: Invitae Variant Classification Sherloc (09022015). Collection method: clinical testing. Allele origin: germline.

Mayo Clinic Laboratories, Mayo Clinic
Classification: Benign. Last evaluated: 2022-04-14. Review status: criteria provided, single submitter. Criteria: ACMG Guidelines, 2015. Collection method: clinical testing. Allele origin: germline. Observed: 507 variant alleles.

Genome-Nilou Lab
Classification: Benign for Autosomal recessive limb-girdle muscular dystrophy type R18. Last evaluated: 2021-09-10. Review status: criteria provided, single submitter. Criteria: ACMG Guidelines, 2015. Collection method: clinical testing. Allele origin: germline. Affected: no.

GeneDx
Classification: Benign. Last evaluated: 2018-06-14. Review status: criteria provided, single submitter. Criteria: GeneDx Variant Classification (06012015). Collection method: clinical testing. Allele origin: germline. Affected: yes.
Comment: This variant is considered likely benign or benign based on one or more of the following criteria: it is a conservative change, it occurs at a poorly conserved position in the protein, it is predicted to be benign by multiple in silico algorithms, and/or has population frequency not consistent with disease.

Breakthrough Genomics
Classification: Benign. Review status: criteria provided, single submitter. Criteria: ACMG Guidelines, 2015. Collection method: not provided. Allele origin: germline. Inheritance: Autosomal recessive inheritance. Affected: yes.

PreventionGenetics, part of Exact Sciences
Classification: Benign. Review status: criteria provided, single submitter. Criteria: ACMG Guidelines, 2015. Collection method: clinical testing. Allele origin: germline.

Clinical Genetics, Academic Medical Center
Classification: Benign. Review status: no assertion criteria provided. Collection method: clinical testing. Allele origin: germline. Affected: yes. Study: VKGL Data-share Consensus. Not counted in ClinVar's aggregate classification.

Joint Genome Diagnostic Labs from Nijmegen and Maastricht, Radboudumc and MUMC+
Classification: Benign. Review status: no assertion criteria provided. Collection method: clinical testing. Allele origin: germline. Affected: yes. Study: VKGL Data-share Consensus. Not counted in ClinVar's aggregate classification.

NM_021942.6(TRAPPC11):c.927A>G (p.Ala309=)

Gene: TRAPPC11 (trafficking protein particle complex subunit 11; plus strand). Cytogenetic location: 4q35.1.
Variant type: single nucleotide variant.
Coding change: c.927A>G on transcript NM_021942.6 (MANE Select); coding-DNA position 927, A replaced by G.
Protein change: p.Ala309=; no amino-acid change (alanine 309 retained).
Molecular consequence: synonymous variant.
Genome position (GRCh38, 1-based): chr4:183,679,448, A>G. VCF-style: chr4-183679448-A-G. GRCh37 (hg19) VCF-style: chr4-184600601-A-G.
Other names: p.Ala309=; c.927A>G, p.Ala309= (NM_199053.3).
Identifiers: ClinVar variation 261456 (VCV000261456.20), dbSNP rs4241779, ClinGen allele CA3151745.